The following is an entry in ClinVar:

ClinVar aggregate classification (germline): Benign/Likely benign. Review status: criteria provided, multiple submitters, no conflicts (2 of 4 stars). 6 submissions from 6 submitters: Benign (3); Likely benign (3). Last evaluated 2025-12-15.

Conditions:
Spinocerebellar ataxia type 11 (SCA11). Identifiers: Orphanet 98767, MedGen C1858351, MONDO:0011464, OMIM 604432.

Allele frequency attached by ClinVar (database versions not stated): gnomAD exomes 0.00048 and 0.00123; ExAC 0.00132; ESP Exome Variant Server 0.00286; gnomAD 0.00421 and 0.00447; TOPMed 0.00471; 1000 Genomes Project 30x 0.00578; 1000 Genomes Project 0.00579.
gnomAD v4.1: 1,395 of 1,614,118 alleles (0.086%); highest among the groups gnomAD compares: African/African-American, 1.5%; 3 homozygotes.

Submissions (6):

Labcorp Genetics (formerly Invitae), Labcorp
Classification: Benign. Last evaluated: 2025-12-15. Review status: criteria provided, single submitter. Criteria: Invitae Variant Classification Sherloc (09022015). Collection method: clinical testing. Allele origin: germline.

CeGaT Center for Human Genetics Tuebingen
Classification: Likely benign. Last evaluated: 2025-11-01. Review status: criteria provided, single submitter. Criteria: CeGaT Center For Human Genetics Tuebingen Variant Classification Criteria Version 2. Collection method: clinical testing. Allele origin: germline. Affected: yes. Observed: 1 variant allele.
Comment: TTBK2: BP4, BS1

Mayo Clinic Laboratories, Mayo Clinic
Classification: Likely benign. Last evaluated: 2025-05-02. Review status: criteria provided, single submitter. Criteria: ACMG Guidelines, 2015. Collection method: clinical testing. Allele origin: germline. Observed: 1 variant allele.
Comment: BS1, BP4, BP7

Blueprint Genetics
Classification: Likely benign. Last evaluated: 2024-11-25. Review status: criteria provided, single submitter. Criteria: ACMG Guidelines, 2015. Collection method: clinical testing. Allele origin: germline.

Athena Diagnostics
Classification: Benign. Last evaluated: 2024-06-25. Review status: criteria provided, single submitter. Criteria: Athena Diagnostics Criteria. Collection method: clinical testing. Allele origin: unknown.

Illumina Laboratory Services, Illumina
Classification: Benign for Spinocerebellar ataxia type 11. Last evaluated: 2018-01-13. Review status: criteria provided, single submitter. Criteria: ICSL Variant Classification Criteria 13 December 2019. Collection method: clinical testing. Allele origin: germline.
Comment: This variant was observed in the ICSL laboratory as part of a predisposition screen in an ostensibly healthy population. It had not been previously curated by ICSL or reported in the Human Gene Mutation Database (HGMD: prior to June 1st, 2018), and was therefore a candidate for classification through an automated scoring system. Utilizing variant allele frequency, disease prevalence and penetrance estimates, and inheritance mode, an automated score was calculated to assess if this variant is too frequent to cause the disease. Based on the score and internal cut-off values, a variant classified as benign is not then subjected to further curation. The score for this variant resulted in a classification of benign for this disease.

NM_173500.4(TTBK2):c.980+8C>A

Gene: TTBK2 (tau tubulin kinase 2; minus strand). Cytogenetic location: 15q15.2.
Variant type: single nucleotide variant.
Coding change: c.980+8C>A on transcript NM_173500.4 (MANE Select); 8 bases into the intron after coding-DNA position 980, C replaced by A.
Molecular consequence: intron variant.
Genome position (GRCh38, 1-based): chr15:42,794,636, G>T on the plus strand (C>A on the coding strand, the complement: TTBK2 is on the minus strand). VCF-style: chr15-42794636-G-T. GRCh37 (hg19) VCF-style: chr15-43086834-G-T.
Other names: p.?.
Identifiers: ClinVar variation 315996 (VCV000315996.23), dbSNP rs143836514, ClinGen allele CA7516996.